The following is an entry in ClinVar:

NM_002474.3(MYH11):c.65_67del (p.Asn22del)

Gene: MYH11 (myosin heavy chain 11; minus strand). Cytogenetic location: 16p13.11.
Variant type: Deletion.
Coding change: c.65_67del on transcript NM_002474.3 (MANE Select); coding-DNA positions 65 to 67, 3 bases deleted (ACA; older notation c.65_67delACA).
Protein change: p.Asn22del; deletes asparagine 22.
Molecular consequence: inframe deletion.
Genome position (GRCh38, 1-based): chr16:15,838,186-15,838,188, TGT deleted on the plus strand (ACA on the coding strand, the reverse complement: MYH11 is on the minus strand); deleting any 3 consecutive bases within chr16:15,838,186-15,838,190 gives the same sequence; the c. name uses the placement nearest the transcript's 3' end. VCF-style (leftmost placement, unchanged base first): chr16-15838185-CTGT-C. GRCh37 (hg19) VCF-style: chr16-15932042-CTGT-C.
Other names: c.65_67del, p.Asn22del (NM_001040113.2, NM_001040114.2, NM_022844.3); c.65_67delACA (NM_001040113.2); short protein forms N22del.
Identifiers: ClinVar variation 4689292 (VCV004689292.1).
Genomic context (GRCh38, chr16:15,838,185, plus strand): 5'-TGCTTCTCCGAGGGGACCCAGACGAGTCTCTTGGCGGCCCAGTCAGCCTGGGCCACTGGG[CTGT>C]TGATGAAGTTTTTGTCCACAAAGAGGAACTTCTCATCGTCACTGAGTTGGCCCTTCTGCG-3'

ClinVar aggregate classification (germline): Uncertain significance (1 of 4 stars; one submission).

Submission:

Women's Health and Genetics/Laboratory Corporation of America, LabCorp
Classification: Uncertain significance. Last evaluated: 2026-01-19. Review status: criteria provided, single submitter. Criteria: LabCorp Variant Classification Summary - May 2015. Collection method: clinical testing. Allele origin: germline.
Comment: Variant summary: MYH11 c.65_67delACA (p.Asn22del) results in an in-frame deletion that is predicted to remove one amino acid from the encoded protein. The variant was absent in 250132 control chromosomes. The available data on variant occurrences in the general population are insufficient to allow any conclusion about variant significance. To our knowledge, no occurrence of c.65_67delACA in individuals affected with MYH11-related conditions and no experimental evidence demonstrating its impact on protein function have been reported. No submitters have cited clinical-significance assessments for this variant to ClinVar. Based on the evidence outlined above, the variant was classified as uncertain significance.